The following is an entry in ClinVar:

ClinVar aggregate classification (germline): Likely benign. Review status: criteria provided, multiple submitters, no conflicts (2 of 4 stars). 2 submissions from 2 submitters: Likely benign (2). Last evaluated 2025-04-02.

Conditions:
FHIP2A-related condition.

Allele frequency attached by ClinVar (database versions not stated): ExAC 0.00001; gnomAD exomes 0.00001; TOPMed 0.00003; gnomAD 0.00005; 1000 Genomes Project 30x 0.00016; 1000 Genomes Project 0.00020.
gnomAD v4.1: 14 of 1,566,082 alleles (0.00089%); highest among the groups gnomAD compares: African/African-American, 0.019%; no homozygotes.

Submissions (2):

PreventionGenetics, part of Exact Sciences
Classification: Likely benign for FHIP2A-related condition. Last evaluated: 2025-04-02. Review status: criteria provided, single submitter. Criteria: ACMG Guidelines, 2015. Collection method: clinical testing. Allele origin: germline.
Comment: This variant is classified as likely benign based on ACMG/AMP sequence variant interpretation guidelines (Richards et al. 2015 PMID: 25741868, with internal and published modifications).

CeGaT Center for Human Genetics Tuebingen
Classification: Likely benign. Last evaluated: 2022-09-01. Review status: criteria provided, single submitter. Criteria: CeGaT Center For Human Genetics Tuebingen Variant Classification Criteria Version 2. Collection method: clinical testing. Allele origin: germline. Affected: yes. Observed: 1 variant allele.
Comment: FHIP2A: BP4, BP7

NM_020940.4(FHIP2A):c.846A>G (p.Glu282=)

Gene: FHIP2A (FHF complex subunit HOOK interacting protein 2A; plus strand). Cytogenetic location: 10q25.3.
Variant type: single nucleotide variant.
Coding change: c.846A>G on transcript NM_020940.4 (MANE Select); coding-DNA position 846, A replaced by G.
Protein change: p.Glu282=; no amino-acid change (glutamic acid 282 retained).
Molecular consequence: synonymous variant.
Genome position (GRCh38, 1-based): chr10:114,843,770, A>G. VCF-style: chr10-114843770-A-G. GRCh37 (hg19) VCF-style: chr10-116603529-A-G.
Other names: c.846A>G, p.Glu282= (NM_001135051.2); c.846A>G (NM_020940.3).
Identifiers: ClinVar variation 2640867 (VCV002640867.25), dbSNP rs533116185, ClinGen allele CA5703158.
Genomic context (GRCh38, chr10:114,843,770, plus strand): 5'-AGAATTGAAGGGGGATTTTTTTTTCCTTTAGGATGGCAGAATAGCTGTGAAGGCATGTGA[A>G]GGCTTGATGCTGTTAGTAAGTTTGCCAGAGCCTGCGGCTGCAAAGTGCCTTACACAGAGC-3'
Protein context (NP_065991.3, residues 272-292): PDGRIAVKAC[Glu282=]GLMLLVSLPE